The following is an entry in ClinVar:

NM_004960.4(FUS):c.13+4G>A

Gene: FUS (FUS RNA binding protein; plus strand). Cytogenetic location: 16p11.2.
Variant type: single nucleotide variant.
Coding change: c.13+4G>A on transcript NM_004960.4 (MANE Select); 4 bases into the intron after coding-DNA position 13, G replaced by A.
Molecular consequence: intron variant.
Genome position (GRCh38, 1-based): chr16:31,180,231, G>A. VCF-style: chr16-31180231-G-A. GRCh37 (hg19) VCF-style: chr16-31191552-G-A.
Other names: c.13+4G>A (NM_001170937.1, NM_001170634.1).
Identifiers: ClinVar variation 3752008 (VCV003752008.2).

ClinVar aggregate classification (germline): Uncertain significance (1 of 4 stars; one submission).

Conditions:
Amyotrophic lateral sclerosis type 6. Also called: FUS-Related Amyotrophic Laterial Sclerosis; AMYOTROPHIC LATERAL SCLEROSIS 6 WITHOUT FRONTOTEMPORAL DEMENTIA; Amyotrophic lateral sclerosis 6, with or without frontotemporal dementia. Identifiers: Orphanet 275872, Orphanet 803, MedGen C2931786, MONDO:0011951, OMIM 608030.
Tremor, hereditary essential, 4 (ETM4). Identifiers: MedGen C3539195, MONDO:0013888, OMIM 614782.

Submission:

Labcorp Genetics (formerly Invitae), Labcorp
Classification: Uncertain significance for Tremor, hereditary essential, 4; Amyotrophic lateral sclerosis type 6. Last evaluated: 2025-01-12. Review status: criteria provided, single submitter. Criteria: Invitae Variant Classification Sherloc (09022015). Collection method: clinical testing. Allele origin: germline.
Comment: This sequence change falls in intron 1 of the FUS gene. It does not directly change the encoded amino acid sequence of the FUS protein. It affects a nucleotide within the consensus splice site. This variant is present in population databases (rs759151746, gnomAD 0.02%). This variant has not been reported in the literature in individuals affected with FUS-related conditions. Variants that disrupt the consensus splice site are a relatively common cause of aberrant splicing (PMID: 17576681, 9536098). Algorithms developed to predict the effect of sequence changes on RNA splicing suggest that this variant is not likely to affect RNA splicing. In summary, the available evidence is currently insufficient to determine the role of this variant in disease. Therefore, it has been classified as a Variant of Uncertain Significance.

Literature cited by the submitters: PubMed 17576681; PubMed 9536098.